The following is an entry in ClinVar:

NM_006941.4(SOX10):c.18C>T (p.Asp6=)

Genes: POLR2F (RNA polymerase II, I and III subunit F; plus strand), SOX10 (SRY-box transcription factor 10; minus strand). Cytogenetic location: 22q13.1.
Variant type: single nucleotide variant.
Coding change: c.18C>T on transcript NM_006941.4 (MANE Select); coding-DNA position 18, C replaced by T.
Protein change: p.Asp6=; no amino-acid change (aspartic acid 6 retained).
Molecular consequence: synonymous variant. On other transcripts: intron variant (3).
Genome position (GRCh38, 1-based): chr22:37,983,767, G>A on the plus strand (C>T on the coding strand, the complement: SOX10 is on the minus strand). VCF-style: chr22-37983767-G-A. GRCh37 (hg19) VCF-style: chr22-38379774-G-A.
Other names: p.Asp6=; c.*38+11457G>A (NM_001363825.1); c.294-2387G>A (NM_001301130.2); c.293+16597G>A (NM_001301131.2).
Identifiers: ClinVar variation 227078 (VCV000227078.26), dbSNP rs149435516, ClinGen allele CA10228732.
Genomic context (GRCh38, chr22:37,983,767, plus strand): 5'-CCCCGGGGACAGGCAGCGGGGCTCCTCCGAGCCCACGGGGCTCAGCTCCACCTCCGATAG[G>A]TCCTGCTCCTCCGCCATGTCGCCCCCGGCCGCCGCCGCCGCCGCCTCGGCCGCCTCCCCC-3'
Protein context (NP_008872.1, residues 1-16): MAEEQ[Asp6=]LSEVELSPVG

ClinVar aggregate classification (germline): Benign. Review status: criteria provided, multiple submitters, no conflicts (2 of 4 stars). 12 submissions from 11 submitters: Benign (10). 2 of the submissions do not count toward it. Last evaluated 2026-02-04.

Conditions:
Waardenburg syndrome. Also called: Waardenburg's syndrome. Identifiers: Orphanet 3440, MedGen C3266898, MONDO:0018094.
PCWH syndrome. Also called: WAARDENBURG-SHAH SYNDROME, NEUROLOGIC VARIANT. Identifiers: Orphanet 163746, MedGen C1836727, MONDO:0012198, OMIM 609136.

Allele frequency attached by ClinVar (database versions not stated): gnomAD exomes 0.05804 and 0.05545; ExAC 0.06366; 1000 Genomes Project 0.07987; gnomAD 0.06978 and 0.07056; ESP Exome Variant Server 0.04145; TOPMed 0.07507; 1000 Genomes Project 30x 0.08245.
gnomAD v4.1: 87,457 of 1,474,910 alleles (5.9%); highest among the groups gnomAD compares: African/African-American, 11%; 2,830 homozygotes.

Submissions (12):

Labcorp Genetics (formerly Invitae), Labcorp
Classification: Benign. Last evaluated: 2026-02-04. Review status: criteria provided, single submitter. Criteria: Invitae Variant Classification Sherloc (09022015). Collection method: clinical testing. Allele origin: germline.

Blueprint Genetics
Classification: Benign. Last evaluated: 2024-11-28. Review status: criteria provided, single submitter. Criteria: ACMG Guidelines, 2015. Collection method: clinical testing. Allele origin: germline.

Mayo Clinic Laboratories, Mayo Clinic
Classification: Benign. Last evaluated: 2020-12-17. Review status: criteria provided, single submitter. Criteria: ACMG Guidelines, 2015. Collection method: clinical testing. Allele origin: germline. Observed: 228 variant alleles.

Athena Diagnostics
Classification: Benign. Last evaluated: 2018-08-31. Review status: criteria provided, single submitter. Criteria: Athena Diagnostics Criteria. Collection method: clinical testing. Allele origin: germline.

Illumina Laboratory Services, Illumina
Classification: Benign for PCWH syndrome. Last evaluated: 2018-01-13. Review status: criteria provided, single submitter. Criteria: ICSL Variant Classification Criteria 13 December 2019. Collection method: clinical testing. Allele origin: germline.
Comment: This variant was observed in the ICSL laboratory as part of a predisposition screen in an ostensibly healthy population. It had not been previously curated by ICSL or reported in the Human Gene Mutation Database (HGMD: prior to June 1st, 2018), and was therefore a candidate for classification through an automated scoring system. Utilizing variant allele frequency, disease prevalence and penetrance estimates, and inheritance mode, an automated score was calculated to assess if this variant is too frequent to cause the disease. Based on the score and internal cut-off values, a variant classified as benign is not then subjected to further curation. The score for this variant resulted in a classification of benign for this disease.

Illumina Laboratory Services, Illumina
Classification: Benign for Waardenburg syndrome. Last evaluated: 2018-01-13. Review status: criteria provided, single submitter. Criteria: ICSL Variant Classification Criteria 13 December 2019. Collection method: clinical testing. Allele origin: germline.
Comment: the same text as in the submission from Illumina Laboratory Services, Illumina above.

GeneDx
Classification: Benign. Last evaluated: 2017-09-13. Review status: criteria provided, single submitter. Criteria: GeneDx Variant Classification (06012015). Collection method: clinical testing. Allele origin: germline. Affected: yes.
Comment: This variant is considered likely benign or benign based on one or more of the following criteria: it is a conservative change, it occurs at a poorly conserved position in the protein, it is predicted to be benign by multiple in silico algorithms, and/or has population frequency not consistent with disease.

Laboratory for Molecular Medicine, Mass General Brigham Personalized Medicine
Classification: Benign. Last evaluated: 2014-11-24. Review status: criteria provided, single submitter. Criteria: LMM Criteria. Collection method: clinical testing. Allele origin: germline. Observed: 120 variant alleles.
Comment: Asp6Asp in exon 2 of SOX10: This variant is not expected to have clinical signif icance because it does not alter an amino acid residue and is not located within the splice consensus sequence. It has been identified in 6.4% (102/1590) of Afr ican American chromosomes from a broad population by the NHLBI Exome Sequencing Project (dbSNP rs149435516).

Breakthrough Genomics
Classification: Benign. Review status: criteria provided, single submitter. Criteria: ACMG Guidelines, 2015. Collection method: not provided. Allele origin: germline. Inheritance: Autosomal dominant inheritance. Affected: yes.

PreventionGenetics, part of Exact Sciences
Classification: Benign. Review status: criteria provided, single submitter. Criteria: ACMG Guidelines, 2015. Collection method: clinical testing. Allele origin: germline.

Clinical Genetics, Academic Medical Center
Classification: Benign. Review status: no assertion criteria provided. Collection method: clinical testing. Allele origin: germline. Affected: yes. Study: VKGL Data-share Consensus. Not counted in ClinVar's aggregate classification.

Joint Genome Diagnostic Labs from Nijmegen and Maastricht, Radboudumc and MUMC+
Classification: Benign. Review status: no assertion criteria provided. Collection method: clinical testing. Allele origin: germline. Affected: yes. Study: VKGL Data-share Consensus. Not counted in ClinVar's aggregate classification.